The following is an entry in ClinVar:

NC_000006.11:g.(?_72889258)_(73023395_?)del

Gene: RIMS1 (regulating synaptic membrane exocytosis 1; plus strand). Cytogenetic location: 6q13.
Variant type: Deletion.
Identifiers: ClinVar variation 1448110 (VCV001448110.6).

ClinVar aggregate classification (germline): Uncertain significance (1 of 4 stars; one submission).

Submission:

Labcorp Genetics (formerly Invitae), Labcorp
Classification: Uncertain significance. Last evaluated: 2021-05-25. Review status: criteria provided, single submitter. Criteria: Invitae Variant Classification Sherloc (09022015). Collection method: clinical testing. Allele origin: germline.
Comment: In summary, the available evidence is currently insufficient to determine the role of this variant in disease. Therefore, it has been classified as a Variant of Uncertain Significance. This variant has not been reported in the literature in individuals with RIMS1-related conditions. This variant is a gross deletion of the genomic region encompassing exon(s) 5-28 of the RIMS1 gene. This deletion is out-of-frame, and is expected to create a premature translational stop signal and result in an absent or disrupted protein product. However, the current clinical and genetic evidence is not sufficient to establish whether loss-of-function variants in RIMS1 cause disease.